The following is an entry in ClinVar:

ClinVar aggregate classification (germline): Uncertain significance (1 of 4 stars; one submission).

Submission:

Ambry Genetics
Classification: Uncertain significance. Last evaluated: 2025-08-19. Review status: criteria provided, single submitter. Criteria: Ambry Variant Classification Scheme 2023. Collection method: clinical testing. Allele origin: germline.
Comment: The p.L1197H variant (also known as c.3590T>A), located in coding exon 13 of the CDK12 gene, results from a T to A substitution at nucleotide position 3590. The leucine at codon 1197 is replaced by histidine, an amino acid with similar properties. This amino acid position is conserved. In addition, this alteration is predicted to be tolerated by in silico analysis. Based on the available evidence, the clinical significance of this variant remains unclear.

NM_016507.4(CDK12):c.3590T>A (p.Leu1197His)

Gene: CDK12 (cyclin dependent kinase 12; plus strand). Cytogenetic location: 17q12.
Variant type: single nucleotide variant.
Coding change: c.3590T>A on transcript NM_016507.4 (MANE Select); coding-DNA position 3590, T replaced by A.
Protein change: p.Leu1197His; replaces leucine 1197 with histidine.
Molecular consequence: missense variant.
Genome position (GRCh38, 1-based): chr17:39,526,146, T>A. VCF-style: chr17-39526146-T-A. GRCh37 (hg19) VCF-style: chr17-37682399-T-A.
Other names: c.3590T>A, p.Leu1197His (NM_015083.4); short protein forms L1197H.
Identifiers: ClinVar variation 4224402 (VCV004224402.1).